The following is an entry in ClinVar:

NM_201384.3(PLEC):c.11574G>A (p.Thr3858=)

Gene: PLEC (plectin; minus strand). Cytogenetic location: 8q24.3.
Variant type: single nucleotide variant.
Coding change: c.11574G>A on transcript NM_201384.3 (MANE Select); coding-DNA position 11574, G replaced by A.
Protein change: p.Thr3858=; no amino-acid change (threonine 3858 retained).
Molecular consequence: synonymous variant.
Genome position (GRCh38, 1-based): chr8:143,918,247, C>T on the plus strand (G>A on the coding strand, the complement: PLEC is on the minus strand). VCF-style: chr8-143918247-C-T. GRCh37 (hg19) VCF-style: chr8-144992415-C-T.
Other names: c.11655G>A, p.Thr3885= (NM_000445.5); c.11532G>A, p.Thr3844= (NM_201378.4); c.11508G>A, p.Thr3836= (NM_201379.3); c.11985G>A, p.Thr3995= (NM_201380.4); c.11478G>A, p.Thr3826= (NM_201381.3); c.11574G>A, p.Thr3858= (NM_201382.4); c.11586G>A, p.Thr3862= (NM_201383.3).
Identifiers: ClinVar variation 597254 (VCV000597254.33), dbSNP rs370526712, ClinGen allele CA4924309.

ClinVar aggregate classification (germline): Conflicting classifications of pathogenicity. Review status: criteria provided, conflicting classifications (1 of 4 stars). 4 submissions from 4 submitters: Uncertain significance (1); Likely benign (3). Last evaluated 2025-12-11.

Conditions:
Epidermolysis bullosa simplex with nail dystrophy (EBS5D). Identifiers: MedGen C4225309, MONDO:0014661, OMIM 616487.
Epidermolysis bullosa simplex, Ogna type (EBS5A). Also called: Pidermolysis bullosa simplex 5A, Ogna type; EPIDERMOLYSIS BULLOSA SIMPLEX 5A, OGNA TYPE. Identifiers: Orphanet 79401, MedGen C0432317, MONDO:0007555, OMIM 131950.
Epidermolysis bullosa simplex 5C, with pyloric atresia (EBS5C). Also called: PLEC1-Related Epidermolysis Bullosa with Pyloric Atresia; PLEC-Related Epidermolysis Bullosa with Pyloric Atresia; Epidermolysis bullosa simplex with pyloric atresia. Identifiers: Orphanet 158684, MedGen C2677349, MONDO:0012807, OMIM 612138.
Epidermolysis bullosa simplex 5B, with muscular dystrophy (EBS5B). Also called: Epidermolysis bullosa simplex with muscular dystrophy; EPIDERMOLYSIS BULLOSA SIMPLEX AND LIMB-GIRDLE MUSCULAR DYSTROPHY. Identifiers: Orphanet 257, MedGen C2931072, MONDO:0009181, OMIM 226670.
Autosomal recessive limb-girdle muscular dystrophy type 2Q (LGMDR17). Also called: MUSCULAR DYSTROPHY, LIMB-GIRDLE, AUTOSOMAL RECESSIVE 17. Identifiers: Orphanet 254361, MedGen C3150989, MONDO:0013390, OMIM 613723.

Allele frequency attached by ClinVar (database versions not stated): gnomAD exomes 0.00003 and 0.00007; ESP Exome Variant Server 0.00008; ExAC 0.00011; TOPMed 0.00016; gnomAD 0.00017 and 0.00019.
gnomAD v4.1: 72 of 1,590,360 alleles (0.0045%); highest among the groups gnomAD compares: African/African-American, 0.056%; no homozygotes.

Submissions (4):

Labcorp Genetics (formerly Invitae), Labcorp
Classification: Likely benign for Autosomal recessive limb-girdle muscular dystrophy type 2Q; Epidermolysis bullosa simplex, Ogna type; Epidermolysis bullosa simplex with nail dystrophy; Epidermolysis bullosa simplex 5C, with pyloric atresia; Epidermolysis bullosa simplex 5B, with muscular dystrophy. Last evaluated: 2025-12-11. Review status: criteria provided, single submitter. Criteria: Invitae Variant Classification Sherloc (09022015). Collection method: clinical testing. Allele origin: germline.

CeGaT Center for Human Genetics Tuebingen
Classification: Likely benign. Last evaluated: 2024-07-01. Review status: criteria provided, single submitter. Criteria: CeGaT Center For Human Genetics Tuebingen Variant Classification Criteria Version 2. Collection method: clinical testing. Allele origin: germline. Affected: yes. Observed: 1 variant allele.
Comment: PLEC: BP4, BP7

Blueprint Genetics
Classification: Likely benign. Last evaluated: 2021-08-25. Review status: criteria provided, single submitter. Criteria: ACMG Guidelines, 2015. Collection method: clinical testing. Allele origin: germline.

Eurofins Ntd Llc (ga)
Classification: Uncertain significance. Last evaluated: 2018-05-25. Review status: criteria provided, single submitter. Criteria: EGL ClinVar v180209 classification definitions. Collection method: clinical testing. Allele origin: germline. Observed: 2 variant alleles, 2 heterozygotes.